The following is an entry in ClinVar:

ClinVar aggregate classification (germline): Pathogenic/Likely pathogenic. Review status: criteria provided, multiple submitters, no conflicts (2 of 4 stars). 2 submissions from 2 submitters: Pathogenic (1); Likely pathogenic (1). Last evaluated 2025-08-30.

Conditions:
Familial dysautonomia. Also called: HSAN III; FD. Identifiers: Orphanet 1764, MedGen C0013364, MONDO:0009131, OMIM 223900. Disease mechanism: loss of function.

Submissions (2):

Natera, Inc.
Classification: Likely pathogenic for Familial dysautonomia. Last evaluated: 2025-08-30. Review status: criteria provided, single submitter. Criteria: Natera Variant Classification Schema (03/2026). Collection method: clinical testing. Allele origin: germline.
Comment: The c.1053G>A variant in ELP1 is a nonsense variant predicted to introduce a stop codon at amino acid 351. This variant is expected to result in nonsense mediated decay, truncation, or a dysfunctional protein product. This variant is rare in the general population with a frequency below the threshold expected for the associated phenotype(s). Given the available evidence, this variant is classified as Likely Pathogenic.

Labcorp Genetics (formerly Invitae), Labcorp
Classification: Pathogenic. Last evaluated: 2021-10-22. Review status: criteria provided, single submitter. Criteria: Invitae Variant Classification Sherloc (09022015). Collection method: clinical testing. Allele origin: germline.
Comment: For these reasons, this variant has been classified as Pathogenic. This variant has not been reported in the literature in individuals affected with ELP1-related conditions. This variant is not present in population databases (ExAC no frequency). This sequence change creates a premature translational stop signal (p.Trp351*) in the ELP1 gene. It is expected to result in an absent or disrupted protein product. Loss-of-function variants in ELP1 are known to be pathogenic (PMID: 18303054, 24173031).

Literature cited by the submitters: PubMed 18303054 (cited by Labcorp Genetics (formerly Invitae), Labcorp); PubMed 24173031 (cited by Labcorp Genetics (formerly Invitae), Labcorp).

NM_003640.5(ELP1):c.1053G>A (p.Trp351Ter)

Gene: ELP1 (elongator acetyltransferase complex subunit 1; minus strand). Cytogenetic location: 9q31.3.
Variant type: single nucleotide variant.
Coding change: c.1053G>A on transcript NM_003640.5 (MANE Select); coding-DNA position 1053, G replaced by A.
Protein change: p.Trp351Ter; replaces tryptophan 351 with a stop codon.
Molecular consequence: nonsense.
Genome position (GRCh38, 1-based): chr9:108,912,400, C>T on the plus strand (G>A on the coding strand, the complement: ELP1 is on the minus strand). VCF-style: chr9-108912400-C-T. GRCh37 (hg19) VCF-style: chr9-111674680-C-T.
Other names: c.1053G>A (NM_003640.4); c.711G>A, p.Trp237Ter (NM_001318360.2); c.6G>A, p.Trp2Ter (NM_001330749.2); short protein forms W351*, W2*, W237*.
Identifiers: ClinVar variation 1455335 (VCV001455335.7), dbSNP rs2132016792, ClinGen allele CA374429512.